The following is an entry in ClinVar:

ClinVar aggregate classification (germline): Pathogenic (0 of 4 stars; one submission).

Conditions:
Deficiency of ferroxidase (ACEP). Also called: Deficiency of ceruloplasmin; Aceruloplasminemia; Ceruloplasmin deficiency; Familial apoceruloplasmin deficiency; Hereditary ceruloplasmin deficiency; NEURODEGENERATION WITH BRAIN IRON ACCUMULATION 10. Identifiers: Orphanet 48818, MedGen C0878682, MONDO:0011426, OMIM 604290, HP:0025498.

Submission:

GeneReviews
Classification: Pathogenic for Aceruloplasminemia. Last evaluated: 2013-04-18. Review status: no assertion criteria provided. Collection method: curation. Allele origin: unknown.
ClinVar note: Converted during submission from pathologic to Pathogenic.

NM_000096.4(CP):c.1865-1G>A

Gene: CP (ceruloplasmin; minus strand). Cytogenetic location: 3q24.
Variant type: single nucleotide variant.
Coding change: c.1865-1G>A on transcript NM_000096.4 (MANE Select); the canonical splice acceptor site of the intron before coding-DNA position 1865, G replaced by A.
Molecular consequence: splice acceptor variant.
Genome position (GRCh38, 1-based): chr3:149,186,733, C>T on the plus strand (G>A on the coding strand, the complement: CP is on the minus strand). VCF-style: chr3-149186733-C-T. GRCh37 (hg19) VCF-style: chr3-148904520-C-T.
Other names: c.1865-1G>A.
Identifiers: ClinVar variation 42139 (VCV000042139.3), dbSNP rs386134139, ClinGen allele CA344596.